The following is an entry in ClinVar:

ClinVar aggregate classification (germline): Uncertain significance (1 of 4 stars; one submission).

Submission:

GeneDx
Classification: Uncertain significance. Last evaluated: 2024-04-20. Review status: criteria provided, single submitter. Criteria: GeneDx Variant Classification Process June 2021. Collection method: clinical testing. Allele origin: germline. Affected: yes.
Comment: Not observed at significant frequency in large population cohorts (gnomAD); In silico analysis indicates that this missense variant does not alter protein structure/function; Has not been previously published as pathogenic or benign to our knowledge

NM_001904.4(CTNNB1):c.2098A>G (p.Ile700Val)

Gene: CTNNB1 (catenin beta 1; plus strand). Cytogenetic location: 3p22.1.
Variant type: single nucleotide variant.
Coding change: c.2098A>G on transcript NM_001904.4 (MANE Select); coding-DNA position 2098, A replaced by G.
Protein change: p.Ile700Val; replaces isoleucine 700 with valine.
Molecular consequence: missense variant.
Genome position (GRCh38, 1-based): chr3:41,238,037, A>G. VCF-style: chr3-41238037-A-G. GRCh37 (hg19) VCF-style: chr3-41279528-A-G.
Other names: c.2098A>G, p.Ile700Val (NM_001098209.2, NM_001098210.2); c.2077A>G, p.Ile693Val (NM_001330729.2); short protein forms I693V, I700V.
Identifiers: ClinVar variation 3372783 (VCV003372783.1).